The following is an entry in ClinVar:

NC_000005.10:g.112849089C>G

Variant type: single nucleotide variant.
Genome position: GRCh38 VCF-style: chr5-112849089-C-G. GRCh37 (hg19) VCF-style: chr5-112184786-C-G.
Identifiers: ClinVar variation 83285 (VCV000083285.3), dbSNP rs76217399, ClinGen allele CA250977.

ClinVar aggregate classification (germline): other (0 of 4 stars; one submission).

Conditions:
Familial colorectal cancer. Identifiers: MedGen CN280943, MONDO:0023113. Disease mechanism: loss of function.

Submission:

Systems Biology Platform Zhejiang California International NanoSystems Institute
Classification: other for Familial colorectal cancer. Review status: no assertion criteria provided. Collection method: not provided. Allele origin: unknown.
ClinVar note: Converted during submission from cancer to other.